The following is an entry in ClinVar:

ClinVar aggregate classification (germline): Likely pathogenic (1 of 4 stars; one submission).

Conditions:
Familial thoracic aortic aneurysm and aortic dissection (TAAD). Also called: Thoracic aortic aneurysms and dissections. Identifiers: Orphanet 91387, MedGen C4707243, MONDO:0019625.

Submission:

Ambry Genetics
Classification: Likely pathogenic for Familial thoracic aortic aneurysm and aortic dissection. Last evaluated: 2018-12-21. Review status: criteria provided, single submitter. Criteria: Ambry Variant Classification Scheme 2023. Collection method: clinical testing. Allele origin: germline.
Comment: The p.G2156C variant (also known as c.6466G>T), located in coding exon 52 of the FBN1 gene, results from a G to T substitution at nucleotide position 6466. The glycine at codon 2156 is replaced by cysteine, an amino acid with highly dissimilar properties, and is located in the cbEGF-like #32 domain. This amino acid position is highly conserved in available vertebrate species. In addition, this alteration is predicted to be deleterious by in silico analysis. Based on internal structural assessment, this alteration disrupts the conserved EGF motif in cbEGF domain 32 (Downing AK et al. Cell, 1996 May;85:597-605). The majority of FBN1 mutations identified to date have involved the substitution or generation of cysteine residues within cbEGF domains (Vollbrandt T et al. J Biol Chem. 2004;279(31):32924-32931). Based on the majority of available evidence to date, this variant is likely to be pathogenic.

Literature cited by the submitters: PubMed 8653794.

NM_000138.5(FBN1):c.6466G>T (p.Gly2156Cys)

Gene: FBN1 (fibrillin 1; minus strand). Cytogenetic location: 15q21.1.
Variant type: single nucleotide variant.
Coding change: c.6466G>T on transcript NM_000138.5 (MANE Select); coding-DNA position 6466, G replaced by T.
Protein change: p.Gly2156Cys; replaces glycine 2156 with cysteine.
Molecular consequence: missense variant.
Genome position (GRCh38, 1-based): chr15:48,436,991, C>A on the plus strand (G>T on the coding strand, the complement: FBN1 is on the minus strand). VCF-style: chr15-48436991-C-A. GRCh37 (hg19) VCF-style: chr15-48729188-C-A.
Other names: c.6466G>T, p.Gly2156Cys (NM_001406716.1); short protein forms G2156C.
Identifiers: ClinVar variation 1753677 (VCV001753677.2), dbSNP rs2505435709, ClinGen allele CA392336428.
Genomic context (GRCh38, chr15:48,436,991, plus strand): 5'-AGTTCCTATGGAAGAAAACTTATTACTCACCTACACATTCATTCCCTGCTAGAATATAAC[C>A]AAAGGGACACTCGCAGCGATAGGAACCATCTGTATTGATGCACTGTCCATGTTTACAGAC-3'
Protein context (NP_000129.3, residues 2146-2166): DGSYRCECPF[Gly2156Cys]YILAGNECVD